The following is an entry in ClinVar:

ClinVar aggregate classification (germline): Benign. Review status: criteria provided, multiple submitters, no conflicts (2 of 4 stars). 11 submissions from 11 submitters: Benign (10). 1 of the submissions does not count toward it. Last evaluated 2026-06-12.

Conditions:
Usher syndrome type 2C. Also called: Usher syndrome, type 2B; USHER SYNDROME, TYPE IIC. Identifiers: Orphanet 231178, Orphanet 886, MedGen C2931213, MONDO:0011558, OMIM 605472.

Allele frequency attached by ClinVar (database versions not stated): ESP Exome Variant Server 0.43475; gnomAD exomes 0.54293 and 0.54364; 1000 Genomes Project 30x 0.45112; TOPMed 0.45134; gnomAD 0.45814 and 0.45079; 1000 Genomes Project 0.45907; ExAC 0.53931.
gnomAD v4.1: 848,918 of 1,589,340 alleles (53%); highest among the groups gnomAD compares: Admixed American, 69%; 232,939 homozygotes.

Submissions (11):

Women's Health and Genetics/Laboratory Corporation of America, LabCorp
Classification: Benign. Last evaluated: 2026-06-12. Review status: criteria provided, single submitter. Criteria: LabCorp Variant Classification Summary - May 2015. Collection method: clinical testing. Allele origin: germline.

Labcorp Genetics (formerly Invitae), Labcorp
Classification: Benign. Last evaluated: 2026-02-04. Review status: criteria provided, single submitter. Criteria: Invitae Variant Classification Sherloc (09022015). Collection method: clinical testing. Allele origin: germline.

Genome-Nilou Lab
Classification: Benign for Usher syndrome type 2C. Last evaluated: 2021-08-10. Review status: criteria provided, single submitter. Criteria: ACMG Guidelines, 2015. Collection method: clinical testing. Allele origin: germline. Affected: no.

Mayo Clinic Laboratories, Mayo Clinic
Classification: Benign. Last evaluated: 2020-10-02. Review status: criteria provided, single submitter. Criteria: ACMG Guidelines, 2015. Collection method: clinical testing. Allele origin: germline. Observed: 125 variant alleles.

Mendelics
Classification: Benign for Usher syndrome type 2C. Last evaluated: 2019-05-28. Review status: criteria provided, single submitter. Criteria: Mendelics Assertion Criteria 2017. Collection method: clinical testing. Allele origin: unknown.

Eurofins Ntd Llc (ga)
Classification: Benign. Last evaluated: 2018-09-06. Review status: criteria provided, single submitter. Criteria: EGL ClinVar v180209 classification definitions. Collection method: clinical testing. Allele origin: germline. Observed: 2 variant alleles, 2 heterozygotes.

Illumina Laboratory Services, Illumina
Classification: Benign for Usher syndrome type 2C. Last evaluated: 2018-01-13. Review status: criteria provided, single submitter. Criteria: ICSL Variant Classification Criteria 13 December 2019. Collection method: clinical testing. Allele origin: germline.
Comment: This variant was observed in the ICSL laboratory as part of a predisposition screen in an ostensibly healthy population. It had not been previously curated by ICSL or reported in the Human Gene Mutation Database (HGMD: prior to June 1st, 2018), and was therefore a candidate for classification through an automated scoring system. Utilizing variant allele frequency, disease prevalence and penetrance estimates, and inheritance mode, an automated score was calculated to assess if this variant is too frequent to cause the disease. Based on the score and internal cut-off values, a variant classified as benign is not then subjected to further curation. The score for this variant resulted in a classification of benign for this disease.

GeneDx
Classification: Benign. Last evaluated: 2015-03-03. Review status: criteria provided, single submitter. Criteria: GeneDx Variant Classification Process June 2021. Collection method: clinical testing. Allele origin: germline. Affected: yes.
Comment: This variant is associated with the following publications: (PMID: 28991256)

Laboratory for Molecular Medicine, Mass General Brigham Personalized Medicine
Classification: Benign. Last evaluated: 2010-09-02. Review status: criteria provided, single submitter. Criteria: LMM Criteria. Collection method: clinical testing. Allele origin: germline. Observed: 1,367 variant alleles.
Comment: This variant is a common benign variant present in roughly half of the general p opulation (dbSNP - rs2247870).

PreventionGenetics, part of Exact Sciences
Classification: Benign. Review status: criteria provided, single submitter. Criteria: ACMG Guidelines, 2015. Collection method: clinical testing. Allele origin: germline.

Genetic Services Laboratory, University of Chicago
Classification: Likely benign. Review status: no assertion criteria provided. Collection method: clinical testing. Allele origin: germline. Inheritance: Autosomal dominant inheritance. Not counted in ClinVar's aggregate classification.
Comment: Likely benign based on allele frequency in 1000 Genomes Project or ESP global frequency and its presence in a patient with a rare or unrelated disease phenotype. NOT Sanger confirmed

NM_032119.4(ADGRV1):c.17626G>A (p.Val5876Ile)

Gene: ADGRV1 (adhesion G protein-coupled receptor V1; plus strand). Cytogenetic location: 5q14.3.
Variant type: single nucleotide variant.
Coding change: c.17626G>A on transcript NM_032119.4 (MANE Select); coding-DNA position 17626, G replaced by A.
Protein change: p.Val5876Ile; replaces valine 5876 with isoleucine.
Molecular consequence: missense variant. On other transcripts: non-coding transcript variant (1).
Genome position (GRCh38, 1-based): chr5:90,855,772, G>A. VCF-style: chr5-90855772-G-A. GRCh37 (hg19) VCF-style: chr5-90151589-G-A.
Other names: short protein forms V5876I.
Identifiers: ClinVar variation 46291 (VCV000046291.30), dbSNP rs2247870, ClinGen allele CA138069.